The following is an entry in ClinVar:

NM_018368.4(LMBRD1):c.953T>C (p.Leu318Pro)

Gene: LMBRD1 (LMBR1 domain containing 1; minus strand). Cytogenetic location: 6q13.
Variant type: single nucleotide variant.
Coding change: c.953T>C on transcript NM_018368.4 (MANE Select); coding-DNA position 953, T replaced by C.
Protein change: p.Leu318Pro; replaces leucine 318 with proline.
Molecular consequence: missense variant.
Genome position (GRCh38, 1-based): chr6:69,701,916, A>G on the plus strand (T>C on the coding strand, the complement: LMBRD1 is on the minus strand). VCF-style: chr6-69701916-A-G. GRCh37 (hg19) VCF-style: chr6-70411808-A-G.
Other names: c.734T>C, p.Leu245Pro (NM_001363722.2, NM_001367271.1, NM_001367272.1); short protein forms L245P, L318P.
Identifiers: ClinVar variation 2003601 (VCV002003601.4), dbSNP rs2482225818, ClinGen allele CA364665185.

ClinVar aggregate classification (germline): Uncertain significance (1 of 4 stars; one submission).

Conditions:
Methylmalonic aciduria and homocystinuria type cblF. Also called: COBALAMIN F DISEASE; COBALAMIN, DEFECT IN LYSOSOMAL RELEASE OF; METHYLMALONIC ACIDEMIA AND HOMOCYSTINURIA, cblF TYPE; METHYLMALONIC ACIDURIA DUE TO VITAMIN B12-RELEASE DEFECT; VITAMIN B12 LYSOSOMAL RELEASE DEFECT; VITAMIN B12 STORAGE DISEASE. Identifiers: Orphanet 79284, MedGen C1848578, MONDO:0010183, OMIM 277380.

Allele frequency attached by ClinVar (database versions not stated): gnomAD exomes below 0.00001.
gnomAD v4.1: 1 of 1,601,556 alleles (0.000062%); highest among the groups gnomAD compares: Middle Eastern, 0.017%; no homozygotes.

Submission:

Labcorp Genetics (formerly Invitae), Labcorp
Classification: Uncertain significance for Methylmalonic aciduria and homocystinuria type cblF. Last evaluated: 2022-06-08. Review status: criteria provided, single submitter. Criteria: Invitae Variant Classification Sherloc (09022015). Collection method: clinical testing. Allele origin: germline.
Comment: In summary, the available evidence is currently insufficient to determine the role of this variant in disease. Therefore, it has been classified as a Variant of Uncertain Significance. Algorithms developed to predict the effect of missense changes on protein structure and function are either unavailable or do not agree on the potential impact of this missense change (SIFT: "Deleterious"; PolyPhen-2: "Probably Damaging"; Align-GVGD: "Class C0"). This variant has not been reported in the literature in individuals affected with LMBRD1-related conditions. This variant is not present in population databases (gnomAD no frequency). This sequence change replaces leucine, which is neutral and non-polar, with proline, which is neutral and non-polar, at codon 318 of the LMBRD1 protein (p.Leu318Pro).